The following is an entry in ClinVar:

ClinVar aggregate classification (germline): Uncertain significance (1 of 4 stars; one submission).

Submission:

Labcorp Genetics (formerly Invitae), Labcorp
Classification: Uncertain significance. Last evaluated: 2024-10-24. Review status: criteria provided, single submitter. Criteria: Invitae Variant Classification Sherloc (09022015). Collection method: clinical testing. Allele origin: germline.
Comment: This variant, c.255_263dup, results in the insertion of 3 amino acid(s) of the ARIH1 protein (p.Gly88_Gly90dup), but otherwise preserves the integrity of the reading frame. The frequency data for this variant in the population databases is considered unreliable, as metrics indicate poor data quality at this position in the gnomAD database. This variant has not been reported in the literature in individuals affected with ARIH1-related conditions. In summary, the available evidence is currently insufficient to determine the role of this variant in disease. Therefore, it has been classified as a Variant of Uncertain Significance.

NM_005744.5(ARIH1):c.255_263dup (p.Gly90_Pro91insGlyGlyGly)

Gene: ARIH1 (ariadne RBR E3 ubiquitin protein ligase 1; plus strand). Cytogenetic location: 15q24.1.
Variant type: Duplication.
Coding change: c.255_263dup on transcript NM_005744.5 (MANE Select); coding-DNA positions 255 to 263, 9 bases duplicated (CGGTGGTGG; older notation c.255_263dupCGGTGGTGG).
Protein change: p.Gly90_Pro91insGlyGlyGly.
Genome position (GRCh38, 1-based): chr15:72,474,894-72,474,902, CGGTGGTGG duplicated; duplicating any 9 consecutive bases within chr15:72,474,892-72,474,902 gives the same sequence; the c. name uses the placement nearest the transcript's 3' end. VCF-style (leftmost placement, unchanged base first): chr15-72474891-C-CGGCGGTGGT. GRCh37 (hg19) VCF-style: chr15-72767232-C-CGGCGGTGGT.
Identifiers: ClinVar variation 3677365 (VCV003677365.2).